The following is an entry in ClinVar:

NM_001197104.2(KMT2A):c.3463T>C (p.Cys1155Arg)

Gene: KMT2A (lysine methyltransferase 2A; plus strand). Cytogenetic location: 11q23.3.
Variant type: single nucleotide variant.
Coding change: c.3463T>C on transcript NM_001197104.2 (MANE Select); coding-DNA position 3463, T replaced by C.
Protein change: p.Cys1155Arg; replaces cysteine 1155 with arginine.
Molecular consequence: missense variant.
Genome position (GRCh38, 1-based): chr11:118,478,095, T>C. VCF-style: chr11-118478095-T-C. GRCh37 (hg19) VCF-style: chr11-118348810-T-C.
Other names: p.Cys1155Arg; c.3562T>C, p.Cys1188Arg (NM_001412597.1); c.3463T>C, p.Cys1155Arg (NM_005933.4); short protein forms C1155R, C1188R.
Identifiers: ClinVar variation 2584685 (VCV002584685.1), dbSNP rs2134287017, ClinGen allele CA382824785.
Genomic context (GRCh38, chr11:118,478,095, plus strand): 5'-GTCACTAGAAACAAGGCACCCCAGGAACCTCCAGTAAAGAAAGGACGTCGATCGAGGCGG[T>C]GTGGGCAGTGTCCCGGCTGCCAGGTGCCTGAGGACTGTGGTGTTTGTACTAATTGCTTAG-3'
Protein context (NP_001184033.1, residues 1145-1165): PVKKGRRSRR[Cys1155Arg]GQCPGCQVPE

ClinVar aggregate classification (germline): Likely pathogenic (0 of 4 stars; one submission).

Conditions:
Wiedemann-Steiner syndrome (WDSTS). Also called: Growth deficiency and mental retardation with facial dysmorphism. Identifiers: Orphanet 319182, MedGen C1854630, MONDO:0011518, OMIM 605130.

Submission:

Clinical Genomics Laboratory, Stanford Medicine
Classification: Likely pathogenic for Wiedemann-Steiner syndrome. Last evaluated: 2020-09-30. Review status: no assertion criteria provided. Collection method: clinical testing. Allele origin: germline. Inheritance: Autosomal dominant inheritance. Affected: yes.
Comment: The p.Cys1155Arg variant in the KMT2A gene has not been previously reported in association with disease. This variant was absent from large population databases, including the Genome Aggregation Database. Notably, a different amino acid change (reported p.Cys1155Tyr) has been previously reported at this residue in 3 affected individuals in the de novo state (Bramswig et al., 2015; Wenger et al., 2017; Baer et al., 2018). The reported p.Cys1155Tyr variant is classified as pathogenic, which suggests another change at this residue, such as p.Cys1155Arg, may similarly disrupt protein function. The p.Cys1155Arg variant is located in the CXXC zinc finger domain of KMT2A. Other pathogenic and likely pathogenic variants have been described in this domain, which has been suggested to be a hotspot for missense variants (Li et al., 2018; Lebrun et al., 2018). The KMT2A gene has fewer missense variants in the general population than expected. A low rate of missense variation may suggest that this gene is intolerant to missense variation. Computational tools predict that this variant is deleterious; however, the accuracy of in silico algorithms is limited. These data were assessed using the ACMG/AMP variant interpretation guidelines. In summary, there is sufficient evidence to classify the p.Cys1155Arg variant as likely pathogenic for Wiedemann-Steiner syndrome in an autosomal dominant manner based on the information above. [ACMG evidence codes used: PM1; PM2; PM5; PP2; PP3]